The following is an entry in ClinVar:

ClinVar aggregate classification (germline): Uncertain significance (1 of 4 stars; one submission).

Conditions:
Multiple endocrine neoplasia, type 1 (MEN1). Also called: MEA I; MEN I; WERMER SYNDROME; Endocrine adenomatosis multiple; MEN 1. Identifiers: Orphanet 652, MedGen C0025267, MeSH D018761, MONDO:0007540, OMIM 131100.

Submission:

Labcorp Genetics (formerly Invitae), Labcorp
Classification: Uncertain significance for Multiple endocrine neoplasia, type 1. Last evaluated: 2022-10-12. Review status: criteria provided, single submitter. Criteria: Invitae Variant Classification Sherloc (09022015). Collection method: clinical testing. Allele origin: germline.
Comment: In summary, the available evidence is currently insufficient to determine the role of this variant in disease. Therefore, it has been classified as a Variant of Uncertain Significance. Advanced modeling of protein sequence and biophysical properties (such as structural, functional, and spatial information, amino acid conservation, physicochemical variation, residue mobility, and thermodynamic stability) performed at Invitae indicates that this missense variant is expected to disrupt MEN1 protein function. This variant has not been reported in the literature in individuals affected with MEN1-related conditions. This variant is not present in population databases (gnomAD no frequency). This sequence change replaces arginine, which is basic and polar, with serine, which is neutral and polar, at codon 52 of the MEN1 protein (p.Arg52Ser).

NM_001370259.2(MEN1):c.154C>A (p.Arg52Ser)

Gene: MEN1 (menin 1; minus strand). Cytogenetic location: 11q13.1.
Variant type: single nucleotide variant.
Coding change: c.154C>A on transcript NM_001370259.2 (MANE Select); coding-DNA position 154, C replaced by A.
Protein change: p.Arg52Ser; replaces arginine 52 with serine.
Molecular consequence: missense variant.
Genome position (GRCh38, 1-based): chr11:64,809,956, G>T on the plus strand (C>A on the coding strand, the complement: MEN1 is on the minus strand). VCF-style: chr11-64809956-G-T. GRCh37 (hg19) VCF-style: chr11-64577428-G-T.
Other names: c.154C>A, p.Arg52Ser (NM_000244.4, NM_001370251.2, NM_001370260.2 and 20 more transcripts); short protein forms R52S.
Identifiers: ClinVar variation 1721452 (VCV001721452.5), dbSNP rs1555166664, ClinGen allele CA381187774.